The following is an entry in ClinVar:

NM_001267550.2(TTN):c.104950del (p.Glu34984fs)

Genes: TTN (titin; minus strand), TTN-AS1 (TTN antisense RNA 1; plus strand). Cytogenetic location: 2q31.2.
Variant type: Deletion.
Coding change: c.104950del on transcript NM_001267550.2 (MANE Select); coding-DNA position 104950, one base deleted (G; older notation c.104950delG).
Protein change: p.Glu34984fs; shifts the reading frame from glutamic acid 34984.
Molecular consequence: frameshift variant.
Genome position (GRCh38, 1-based): chr2:178,531,665, C deleted on the plus strand (G on the coding strand, the reverse complement: TTN is on the minus strand). VCF-style (leftmost placement, unchanged base first): chr2-178531664-TC-T. GRCh37 (hg19) VCF-style: chr2-179396391-TC-T.
Other names: c.97246delG (NM_133378.4); c.100027del, p.Glu33343fs (NM_001256850.1); c.77755del, p.Glu25919fs (NM_003319.4); c.97246del, p.Glu32416fs (NM_133378.4); c.78130del, p.Glu26044fs (NM_133432.3); c.78331del, p.Glu26111fs (NM_133437.4); c.104950delG (NM_001267550.2); short protein forms E25919fs, E33343fs, E32416fs, E34984fs, E26044fs, E26111fs.
Identifiers: ClinVar variation 165639 (VCV000165639.8), dbSNP rs727503533, ClinGen allele CA178371.

ClinVar aggregate classification (germline): Conflicting classifications of pathogenicity. Review status: criteria provided, conflicting classifications (1 of 4 stars). 3 submissions from 3 submitters: Likely pathogenic (2); Uncertain significance (1). Last evaluated 2021-11-22.

Conditions:
TTN-related disorder. Also called: TTN-related condition; TTN-related disease; TTN-related disorders.
Primary familial dilated cardiomyopathy (FDC). Also called: Familial dilated cardiomyopathy; Hypokinetic dilated cardiomyopathy, familial. Identifiers: Orphanet 217607, MedGen C0340427, MONDO:0016333.

Submissions (3):

Blueprint Genetics
Classification: Likely pathogenic for TTN-related disorders. Last evaluated: 2021-11-22. Review status: criteria provided, single submitter. Criteria: ACMG Guidelines, 2015. Collection method: clinical testing. Allele origin: germline. Affected: yes. Observed: 1 variant allele.

Laboratory for Molecular Medicine, Mass General Brigham Personalized Medicine
Classification: Uncertain significance. Last evaluated: 2017-01-23. Review status: criteria provided, single submitter. Criteria: LMM Criteria. Collection method: clinical testing. Allele origin: germline. Observed: 2 variant alleles.
Comment: proposed classification - variant undergoing re-assessment, contact laboratory

Molecular Diagnostic Laboratory for Inherited Cardiovascular Disease, Montreal Heart Institute
Classification: Likely pathogenic for Familial dilated cardiomyopathy. Review status: criteria provided, single submitter. Criteria: ACMG Guidelines, 2015. Collection method: clinical testing. Allele origin: germline. Affected: yes.

Literature cited by the submitters: PubMed 18948003 (cited by Laboratory for Molecular Medicine, Mass General Brigham Personalized Medicine); PubMed 12145747 (cited by Laboratory for Molecular Medicine, Mass General Brigham Personalized Medicine); PubMed 17444505 (cited by Laboratory for Molecular Medicine, Mass General Brigham Personalized Medicine); PubMed 22335739 (cited by Laboratory for Molecular Medicine, Mass General Brigham Personalized Medicine).